The following is an entry in ClinVar:

ClinVar aggregate classification (germline): Uncertain significance (1 of 4 stars; one submission).

Conditions:
Familial adenomatous polyposis 1 (FAP1). Also called: FAMILIAL ADENOMATOUS POLYPOSIS 1, ATTENUATED; POLYPOSIS, ADENOMATOUS INTESTINAL. Identifiers: MedGen C2713442, MONDO:0021056, OMIM 175100. Disease mechanism: loss of function.

Allele frequency attached by ClinVar (database versions not stated): gnomAD exomes below 0.00001.
gnomAD v4.1: 4 of 1,613,970 alleles (0.00025%); highest among the groups gnomAD compares: Non-Finnish European, 0.00034%; no homozygotes.

Submission:

Labcorp Genetics (formerly Invitae), Labcorp
Classification: Uncertain significance for Familial adenomatous polyposis 1. Last evaluated: 2024-01-08. Review status: criteria provided, single submitter. Criteria: Invitae Variant Classification Sherloc (09022015). Collection method: clinical testing. Allele origin: germline.
Comment: This sequence change replaces phenylalanine, which is neutral and non-polar, with serine, which is neutral and polar, at codon 2099 of the APC protein (p.Phe2099Ser). This variant is not present in population databases (gnomAD no frequency). This variant has not been reported in the literature in individuals affected with APC-related conditions. ClinVar contains an entry for this variant (Variation ID: 2200046). Advanced modeling of protein sequence and biophysical properties (such as structural, functional, and spatial information, amino acid conservation, physicochemical variation, residue mobility, and thermodynamic stability) performed at Invitae indicates that this missense variant is not expected to disrupt APC protein function with a negative predictive value of 95%. In summary, the available evidence is currently insufficient to determine the role of this variant in disease. Therefore, it has been classified as a Variant of Uncertain Significance.

NM_000038.6(APC):c.6296T>C (p.Phe2099Ser)

Gene: APC (APC regulator of Wnt signaling pathway; plus strand). Cytogenetic location: 5q22.2.
Variant type: single nucleotide variant.
Coding change: c.6296T>C on transcript NM_000038.6 (MANE Select); coding-DNA position 6296, T replaced by C.
Protein change: p.Phe2099Ser; replaces phenylalanine 2099 with serine.
Molecular consequence: missense variant.
Genome position (GRCh38, 1-based): chr5:112,841,890, T>C. VCF-style: chr5-112841890-T-C. GRCh37 (hg19) VCF-style: chr5-112177587-T-C.
Other names: c.6296T>C, p.Phe2099Ser (NM_001127510.3, NM_001354895.2, NM_001407450.1); c.6242T>C, p.Phe2081Ser (NM_001127511.3); c.6350T>C, p.Phe2117Ser (NM_001354896.2, NM_001407447.1, NM_001407448.1 and 1 more transcripts); c.6326T>C, p.Phe2109Ser (NM_001354897.2); c.6221T>C, p.Phe2074Ser (NM_001354898.2); c.6212T>C, p.Phe2071Ser (NM_001354899.2); c.6173T>C, p.Phe2058Ser (NM_001354900.2); c.6119T>C, p.Phe2040Ser (NM_001354901.2, NM_001407453.1); and 11 more; short protein forms F1715S, F2016S, F2058S, F2071S, F2099S, F2117S, F2127S, F1816S.
Identifiers: ClinVar variation 2200046 (VCV002200046.4), dbSNP rs775207418, ClinGen allele CA16035117.